The following is an entry in ClinVar:

NM_032447.5(FBN3):c.1294C>T (p.Arg432Cys)

Gene: FBN3 (fibrillin 3; minus strand). Cytogenetic location: 19p13.2.
Variant type: single nucleotide variant.
Coding change: c.1294C>T on transcript NM_032447.5 (MANE Select); coding-DNA position 1294, C replaced by T.
Protein change: p.Arg432Cys; replaces arginine 432 with cysteine.
Molecular consequence: missense variant.
Genome position (GRCh38, 1-based): chr19:8,136,439, G>A on the plus strand (C>T on the coding strand, the complement: FBN3 is on the minus strand). VCF-style: chr19-8136439-G-A. GRCh37 (hg19) VCF-style: chr19-8201323-G-A.
Other names: c.1294C>T, p.Arg432Cys (NM_001321431.2); short protein forms R432C.
Identifiers: ClinVar variation 3607989 (VCV003607989.2).

ClinVar aggregate classification (germline): Uncertain significance (1 of 4 stars; one submission).

gnomAD v4.1: 18 of 1,614,060 alleles (0.0011%); highest among the groups gnomAD compares: South Asian, 0.0022%; no homozygotes.

Submission:

Labcorp Genetics (formerly Invitae), Labcorp
Classification: Uncertain significance. Last evaluated: 2024-12-05. Review status: criteria provided, single submitter. Criteria: Invitae Variant Classification Sherloc (09022015). Collection method: clinical testing. Allele origin: germline.
Comment: This sequence change replaces arginine, which is basic and polar, with cysteine, which is neutral and slightly polar, at codon 432 of the FBN3 protein (p.Arg432Cys). This variant is present in population databases (rs749082966, gnomAD 0.006%). This variant has not been reported in the literature in individuals affected with FBN3-related conditions. Invitae Evidence Modeling of protein sequence and biophysical properties (such as structural, functional, and spatial information, amino acid conservation, physicochemical variation, residue mobility, and thermodynamic stability) has been performed for this missense variant. However, the output from this modeling did not meet the statistical confidence thresholds required to predict the impact of this variant on FBN3 protein function. In summary, the available evidence is currently insufficient to determine the role of this variant in disease. Therefore, it has been classified as a Variant of Uncertain Significance.